The following is an entry in ClinVar:

NM_017617.5(NOTCH1):c.6157A>G (p.Asn2053Asp)

Genes: NOTCH1 (notch receptor 1; minus strand), LOC126860794 (BRD4-independent group 4 enhancer GRCh37_chr9:139392592-139393791; plus strand). Cytogenetic location: 9q34.3.
Variant type: single nucleotide variant.
Coding change: c.6157A>G on transcript NM_017617.5 (MANE Select); coding-DNA position 6157, A replaced by G.
Protein change: p.Asn2053Asp; replaces asparagine 2053 with aspartic acid.
Molecular consequence: missense variant.
Genome position (GRCh38, 1-based): chr9:136,498,922, T>C on the plus strand (A>G on the coding strand, the complement: NOTCH1 is on the minus strand). VCF-style: chr9-136498922-T-C. GRCh37 (hg19) VCF-style: chr9-139393374-T-C.
Other names: short protein forms N2053D.
Identifiers: ClinVar variation 2128884 (VCV002128884.4), dbSNP rs1474607963, ClinGen allele CA375633805.
Genomic context (GRCh38, chr9:136,498,922, plus strand): 5'-CCTCACGTCTCCCCTGGCATCCCAGCCTCGCGCTCACCCTGTTGTTCTGCATATCTTTGT[T>C]AGCCCCGTTCTTCAGGAGCACAACTGCGGCATCCACATTGTTCACGGCGGCGGCCCAGTG-3'
Protein context (NP_060087.3, residues 2043-2063): AAVVLLKNGA[Asn2053Asp]KDMQNNREET

ClinVar aggregate classification (germline): Uncertain significance (1 of 4 stars; one submission).

Conditions:
Adams-Oliver syndrome 5 (AOS5). Identifiers: Orphanet 974, MedGen C4014970, MONDO:0014459, OMIM 616028.

gnomAD v4.1: 1 of 1,613,752 alleles (0.000062%); highest among the groups gnomAD compares: Non-Finnish European, 0.000085%; no homozygotes.

Submission:

Labcorp Genetics (formerly Invitae), Labcorp
Classification: Uncertain significance for Adams-Oliver syndrome 5. Last evaluated: 2022-04-21. Review status: criteria provided, single submitter. Criteria: Invitae Variant Classification Sherloc (09022015). Collection method: clinical testing. Allele origin: germline.
Comment: This sequence change replaces asparagine, which is neutral and polar, with aspartic acid, which is acidic and polar, at codon 2053 of the NOTCH1 protein (p.Asn2053Asp). This variant is not present in population databases (gnomAD no frequency). This variant has not been reported in the literature in individuals affected with NOTCH1-related conditions. Advanced modeling of protein sequence and biophysical properties (such as structural, functional, and spatial information, amino acid conservation, physicochemical variation, residue mobility, and thermodynamic stability) performed at Invitae indicates that this missense variant is not expected to disrupt NOTCH1 protein function. In summary, the available evidence is currently insufficient to determine the role of this variant in disease. Therefore, it has been classified as a Variant of Uncertain Significance.